The following is an entry in ClinVar:

ClinVar aggregate classification (germline): Pathogenic/Likely pathogenic. Review status: criteria provided, multiple submitters, no conflicts (2 of 4 stars). 7 submissions from 7 submitters: Pathogenic (4); Likely pathogenic (3). Last evaluated 2025-09-24.

Conditions:
NPC1-related disorder. Also called: NPC1-related condition.
Niemann-Pick disease, type C1. Also called: NIEMANN-PICK DISEASE, VARIANT TYPE C1; NEUROVISCERAL STORAGE DISEASE WITH VERTICAL SUPRANUCLEAR OPHTHALMOPLEGIA; NIEMANN-PICK DISEASE WITH CHOLESTEROL ESTERIFICATION BLOCK; NIEMANN-PICK DISEASE WITHOUT SPHINGOMYELINASE DEFICIENCY; NIEMANN-PICK DISEASE, CHRONIC NEURONOPATHIC FORM. Identifiers: Orphanet 646, MedGen C3179455, MONDO:0009757, OMIM 257220.
Niemann-Pick disease, type C (NPC). Identifiers: Orphanet 646, MedGen C0220756, MONDO:0018982.

Allele frequency attached by ClinVar (database versions not stated): gnomAD exomes below 0.00001.
gnomAD v4.1: 8 of 1,614,144 alleles (0.0005%); highest among the groups gnomAD compares: East Asian, 0.0022%; no homozygotes.

Submissions (7):

Genesolutions, Medical Genetics Institutes, Ho Chi Minh City, Vietnam
Classification: Pathogenic for Niemann-Pick disease, type C1. Last evaluated: 2025-09-24. Review status: criteria provided, single submitter. Criteria: ACMG Guidelines, 2015. Collection method: clinical testing. Allele origin: germline. Affected: yes.

Women's Health and Genetics/Laboratory Corporation of America, LabCorp
Classification: Pathogenic for Niemann-Pick disease, type C. Last evaluated: 2025-02-11. Review status: criteria provided, single submitter. Criteria: LabCorp Variant Classification Summary - May 2015. Collection method: clinical testing. Allele origin: germline.
Comment: Variant summary: NPC1 c.3100G>A (p.Gly1034Arg) results in a non-conservative amino acid change in the encoded protein sequence. Four of five in-silico tools predict a damaging effect of the variant on protein function. The variant was absent in 251442 control chromosomes. c.3100G>A has been reported in the literature in multiple individuals affected with Niemann-Pick Disease Type C (e.g, Yang_2005, Abtahi_2022). These data indicate that the variant is very likely to be associated with disease. To our knowledge, no experimental evidence demonstrating an impact on protein function has been reported. The following publications have been ascertained in the context of this evaluation (PMID: 35086560, 15774455). ClinVar contains an entry for this variant (Variation ID: 972703). Based on the evidence outlined above, the variant was classified as pathogenic.

Labcorp Genetics (formerly Invitae), Labcorp
Classification: Pathogenic for Niemann-Pick disease, type C1. Last evaluated: 2024-05-20. Review status: criteria provided, single submitter. Criteria: Invitae Variant Classification Sherloc (09022015). Collection method: clinical testing. Allele origin: germline.
Comment: This sequence change replaces glycine, which is neutral and non-polar, with arginine, which is basic and polar, at codon 1034 of the NPC1 protein (p.Gly1034Arg). This variant is not present in population databases (gnomAD no frequency). This missense change has been observed in individual(s) with Niemann-Pick Type C and/or spinocerebellar ataxia with cognitive decline (PMID: 15774455, 31743419, 35086560). In at least one individual the data is consistent with being in trans (on the opposite chromosome) from a pathogenic variant. ClinVar contains an entry for this variant (Variation ID: 972703). Advanced modeling of protein sequence and biophysical properties (such as structural, functional, and spatial information, amino acid conservation, physicochemical variation, residue mobility, and thermodynamic stability) performed at Invitae indicates that this missense variant is expected to disrupt NPC1 protein function with a positive predictive value of 95%. For these reasons, this variant has been classified as Pathogenic.

Natera, Inc.
Classification: Likely pathogenic for Niemann-Pick disease type C1. Last evaluated: 2024-04-22. Review status: criteria provided, single submitter. Criteria: Natera Variant Classification Schema (03/2026). Collection method: clinical testing. Allele origin: germline.
Comment: The c.3100G>A variant in NPC1 is a missense variant predicted to cause substitution of glycine to arginine at amino acid 1034. This variant is rare in the general population with a frequency below the threshold expected for the associated phenotype(s). This variant has been observed in one or more individuals affected with the associated recessive disease, as either homozygous or compound heterozygous with a second variant (PMID: 38131230, 35086560). Computational prediction algorithms indicate this variant is likely to affect gene or protein function. Given the available evidence, this variant is classified as Likely Pathogenic.

PreventionGenetics, part of Exact Sciences
Classification: Likely pathogenic for NPC1-related condition. Last evaluated: 2022-10-24. Review status: criteria provided, single submitter. Criteria: ACMG Guidelines, 2015. Collection method: clinical testing. Allele origin: germline.
Comment: The NPC1 c.3100G>A variant is predicted to result in the amino acid substitution p.Gly1034Arg. This variant was reported in homozygous and compound heterozygous state in several individuals with Niemann-Pick disease (Yang et al 2005. PubMed ID: 15774455; Abtahi et al 2022. PubMed ID: 35086560; Klunder et al. 2015. PubMed ID: 26108224). Majority of these patients had filipin staining performed (confirmation of intravesicular cholesterol storage that serves as clinical confirmation of NPC diagnosis), which was positive in all tested patients. This variant was also found in compound heterozygous state in patient with spinocerebellar ataxia (Guan et al 2019. PubMed ID: 31743419). This variant is reported as pathogenic and likely pathogenic in ClinVar. This variant has not been reported in a large population database, indicating this variant is rare. This variant is interpreted as likely pathogenic.

Molecular Diagnostics Laboratory, M Health Fairview: University of Minnesota
Classification: Likely pathogenic for Niemann-Pick disease, type C1. Last evaluated: 2022-03-01. Review status: criteria provided, single submitter. Criteria: ACMG Guidelines, 2015. Collection method: clinical testing. Allele origin: germline. Affected: yes.

Breda Genetics srl
Classification: Pathogenic for Niemann-Pick disease, type C1. Last evaluated: 2020-06-24. Review status: criteria provided, single submitter. Criteria: ACMG Guidelines, 2015. Collection method: clinical testing. Allele origin: germline. Inheritance: Autosomal recessive inheritance. Affected: yes. Observed: 1 variant allele, 1 heterozygote.
Comment: The variant c.3100G>A (p.Gly1034Arg) in the NPC1 gene has not been previously reported neither in Clinvar nor in the LOVD database, however it has been firstly described by Yang et al. (2005) in a patient with Niemann-Pick disease. The authors did not identified a second pathogenic variant in that patient (PMID: 15774455). Recently, KlÃ¼nder et al. identified this variant in a patient who also had another missense variant in the NPC1 gene (PMID: 26108224). Moreover, this missense variant falls in a region where other pathogenic missense variants had already been reported (Clinvar).

Literature cited by the submitters: PubMed 15774455 (cited by Women's Health and Genetics/Laboratory Corporation of America, LabCorp and Labcorp Genetics (formerly Invitae), Labcorp); PubMed 35086560 (cited by 3 submitters); PubMed 31743419 (cited by Labcorp Genetics (formerly Invitae), Labcorp); PubMed 38131230 (cited by Natera, Inc.).

NM_000271.5(NPC1):c.3100G>A (p.Gly1034Arg)

Gene: NPC1 (NPC intracellular cholesterol transporter 1; minus strand). Cytogenetic location: 18q11.2.
Variant type: single nucleotide variant.
Coding change: c.3100G>A on transcript NM_000271.5 (MANE Select); coding-DNA position 3100, G replaced by A.
Protein change: p.Gly1034Arg; replaces glycine 1034 with arginine.
Molecular consequence: missense variant.
Genome position (GRCh38, 1-based): chr18:23,536,818, C>T on the plus strand (G>A on the coding strand, the complement: NPC1 is on the minus strand). VCF-style: chr18-23536818-C-T. GRCh37 (hg19) VCF-style: chr18-21116782-C-T.
Other names: p.Gly1034Arg; c.3100G>A (NM_000271.4); short protein forms G1034R.
Identifiers: ClinVar variation 972703 (VCV000972703.14), dbSNP rs2058637844, ClinGen allele CA401791940.
Genomic context (GRCh38, chr18:23,536,818, plus strand): 5'-CGTCAATAAAGTCAGCAGAGGTCTGCAGCACGGTGTGGTAGGTCATGAAGTACGTGGCTC[C>T]GACCCTGGTGCCATGGCCAAGGAGGATGTTAACTGCAGAACTATAGGCAGCATGTCCCCT-3'
Protein context (NP_000262.2, residues 1024-1044): NILLGHGTRV[Gly1034Arg]ATYFMTYHTV